The following is an entry in ClinVar:

NC_000010.11:g.(?_66520597)_(66520793_?)del

Gene: CTNNA3 (catenin alpha 3; minus strand). Cytogenetic location: 10q21.3.
Variant type: Deletion.
Identifiers: ClinVar variation 474804 (VCV000474804.7).

ClinVar aggregate classification (germline): Uncertain significance (1 of 4 stars; one submission).

Conditions:
Arrhythmogenic right ventricular dysplasia 13. Also called: ARRHYTHMOGENIC RIGHT VENTRICULAR CARDIOMYOPATHY 13; Arrhythmogenic right ventricular dysplasia, familial, 13. Identifiers: MedGen C3810138, MONDO:0000908, OMIM 615616.

Submission:

Labcorp Genetics (formerly Invitae), Labcorp
Classification: Uncertain significance for Arrhythmogenic right ventricular dysplasia 13. Last evaluated: 2024-01-13. Review status: criteria provided, single submitter. Criteria: Invitae Variant Classification Sherloc (09022015). Collection method: clinical testing. Allele origin: germline.
Comment: This variant is a gross deletion of the genomic region encompassing exon(s) 11 of the CTNNA3 gene. This deletion is out-of-frame, and is expected to create a premature translational stop signal and result in an absent or disrupted protein product. However, the current clinical and genetic evidence is not sufficient to establish whether loss-of-function variants in CTNNA3 cause disease. This variant has not been reported in the literature in individuals affected with CTNNA3-related conditions. In summary, the available evidence is currently insufficient to determine the role of this variant in disease. Therefore, it has been classified as a Variant of Uncertain Significance.